The following is an entry in ClinVar:

ClinVar aggregate classification (germline): Uncertain significance (1 of 4 stars; one submission).

Conditions:
Familial adenomatous polyposis 2. Also called: FAP type 2; Adenomas, multiple colorectal; MUTYH-associated polyposis; MUTYH-related attenuated familial adenomatous polyposis; MYH-associated polyposis; COLORECTAL ADENOMATOUS POLYPOSIS, AUTOSOMAL RECESSIVE. Identifiers: Orphanet 220460, Orphanet 247798, MedGen C3272841, MONDO:0012041, OMIM 608456.

Submission:

Labcorp Genetics (formerly Invitae), Labcorp
Classification: Uncertain significance for Familial adenomatous polyposis 2. Last evaluated: 2022-06-19. Review status: criteria provided, single submitter. Criteria: Invitae Variant Classification Sherloc (09022015). Collection method: clinical testing. Allele origin: germline.
Comment: Algorithms developed to predict the effect of missense changes on protein structure and function (SIFT, PolyPhen-2, Align-GVGD) all suggest that this variant is likely to be disruptive. In summary, the available evidence is currently insufficient to determine the role of this variant in disease. Therefore, it has been classified as a Variant of Uncertain Significance. This variant has not been reported in the literature in individuals affected with MUTYH-related conditions. This sequence change replaces proline, which is neutral and non-polar, with threonine, which is neutral and polar, at codon 112 of the MUTYH protein (p.Pro112Thr). This variant is not present in population databases (gnomAD no frequency).

NM_001048174.2(MUTYH):c.250C>A (p.Pro84Thr)

Gene: MUTYH (mutY DNA glycosylase; minus strand). Cytogenetic location: 1p34.1.
Variant type: single nucleotide variant.
Coding change: c.250C>A on transcript NM_001048174.2 (MANE Select); coding-DNA position 250, C replaced by A.
Protein change: p.Pro84Thr; replaces proline 84 with threonine.
Molecular consequence: missense variant. On other transcripts: 5 prime UTR variant (4), non-coding transcript variant (2).
Genome position (GRCh38, 1-based): chr1:45,333,427, G>T on the plus strand (C>A on the coding strand, the complement: MUTYH is on the minus strand). VCF-style: chr1-45333427-G-T. GRCh37 (hg19) VCF-style: chr1-45799099-G-T.
Other names: c.250C>A, p.Pro84Thr (NM_001048171.2, NM_001048173.2, NM_001293195.2 and 6 more transcripts); c.253C>A, p.Pro85Thr (NM_001048172.2, NM_001407071.1, NM_001407078.1 and 2 more transcripts); c.334C>A, p.Pro112Thr (NM_001128425.2); c.295C>A, p.Pro99Thr (NM_001293190.2); c.283C>A, p.Pro95Thr (NM_001293191.2, NM_001407077.1); c.-27C>A (NM_001293192.2, NM_001293196.2, NM_001407091.1); c.-22C>A (NM_001350650.2, NM_001350651.2, NM_001407082.1); c.325C>A, p.Pro109Thr (NM_001407069.1, NM_012222.3); and 3 more; short protein forms P112T, P85T, P99T, P91T, P95T, P56T, P98T, P109T.
Identifiers: ClinVar variation 2129512 (VCV002129512.4), dbSNP rs2149172250, ClinGen allele CA340136359.
Genomic context (GRCh38, chr1:45,333,427, plus strand): 5'-TGGGTGCCTGCCTCCCACCCACTGTCCCTGCTCCTCGCCTGCCTACCCGTCTTCTCCATG[G>T]TAGGTCCCGTTTCTCTTGGTCGTACCAGCTTAGCAGGCTCCCTCGGAAGGCTGTGACTTC-3'
Protein context (NP_001041639.1, residues 74-94): SWYDQEKRDL[Pro84Thr]WRRRAEDEMD